The following is an entry in ClinVar:

NM_198586.3(NHLRC1):c.1076T>G (p.Val359Gly)

Gene: NHLRC1 (NHL repeat containing E3 ubiquitin protein ligase 1; minus strand). Cytogenetic location: 6p22.3.
Variant type: single nucleotide variant.
Coding change: c.1076T>G on transcript NM_198586.3 (MANE Select); coding-DNA position 1076, T replaced by G.
Protein change: p.Val359Gly; replaces valine 359 with glycine.
Molecular consequence: missense variant.
Genome position (GRCh38, 1-based): chr6:18,121,531, A>C on the plus strand (T>G on the coding strand, the complement: NHLRC1 is on the minus strand). VCF-style: chr6-18121531-A-C. GRCh37 (hg19) VCF-style: chr6-18121762-A-C.
Other names: short protein forms V359G.
Identifiers: ClinVar variation 1905051 (VCV001905051.5), dbSNP rs372993582, ClinGen allele CA362824921.

ClinVar aggregate classification (germline): Uncertain significance (1 of 4 stars; one submission).

Conditions:
Lafora disease. Also called: Epilepsy progressive myoclonic 2; Progressive Myoclonus Epilepsy, Lafora Type. Identifiers: Orphanet 501, MedGen C0751783, MONDO:0009697.

Submission:

Labcorp Genetics (formerly Invitae), Labcorp
Classification: Uncertain significance for Lafora disease. Last evaluated: 2021-12-08. Review status: criteria provided, single submitter. Criteria: Invitae Variant Classification Sherloc (09022015). Collection method: clinical testing. Allele origin: germline.
Comment: In summary, the available evidence is currently insufficient to determine the role of this variant in disease. Therefore, it has been classified as a Variant of Uncertain Significance. Algorithms developed to predict the effect of missense changes on protein structure and function (SIFT, PolyPhen-2, Align-GVGD) all suggest that this variant is likely to be disruptive. This variant has not been reported in the literature in individuals affected with NHLRC1-related conditions. This variant is not present in population databases (gnomAD no frequency). This sequence change replaces valine, which is neutral and non-polar, with glycine, which is neutral and non-polar, at codon 359 of the NHLRC1 protein (p.Val359Gly).